The following is an entry in ClinVar:

ClinVar aggregate classification (germline): Likely pathogenic (1 of 4 stars; one submission).

Conditions:
Menkes kinky-hair syndrome (MNK). Also called: Copper transport disease; Classic Menkes Disease; Menkes Disease. Identifiers: Orphanet 565, MedGen C0022716, MONDO:0010651, OMIM 309400.

Submission:

Myriad Genetics, Inc.
Classification: Likely pathogenic for Menkes kinky-hair syndrome. Last evaluated: 2022-01-15. Review status: criteria provided, single submitter. Criteria: Myriad Autosomal Dominant, Autosomal Recessive and X-Linked Classification Criteria (2023). Collection method: clinical testing. Allele origin: unknown.
Comment: NM_000052.5(ATP7A):c.753_755delTGTinsA(D251Efs*10) is expected to be pathogenic in the context of ATP7A-related disorders. This variant is predicted to lead to an abnormal or absent protein product due to the creation of a premature termination codon in ATP7A, a gene where loss-of-function variants are known to be pathogenic. Please note: this variant was assessed in the context of healthy population screening.

NM_000052.7(ATP7A):c.753_755delinsA (p.Asp251fs)

Gene: ATP7A (ATPase copper transporting alpha; plus strand). Cytogenetic location: Xq21.1.
Variant type: Indel.
Coding change: c.753_755delinsA on transcript NM_000052.7 (MANE Select); coding-DNA positions 753 to 755, TGT replaced by A.
Protein change: p.Asp251fs; shifts the reading frame from aspartic acid 251.
Molecular consequence: frameshift variant.
Genome position (GRCh38, 1-based): chrX:77,989,375-77,989,377, TGT replaced by A. VCF-style: chrX-77989375-TGT-A. GRCh37 (hg19) VCF-style: chrX-77244871-TGT-A.
Other names: c.753_755delinsA, p.Asp251fs (NM_001282224.2); short protein forms D251fs.
Identifiers: ClinVar variation 1723955 (VCV001723955.3), dbSNP rs2522293121, ClinGen allele CA2580101458.